The following is an entry in ClinVar:

NM_000089.4(COL1A2):c.2515C>T (p.Pro839Ser)

Gene: COL1A2 (collagen type I alpha 2 chain; plus strand). Cytogenetic location: 7q21.3.
Variant type: single nucleotide variant.
Coding change: c.2515C>T on transcript NM_000089.4 (MANE Select); coding-DNA position 2515, C replaced by T.
Protein change: p.Pro839Ser; replaces proline 839 with serine.
Molecular consequence: missense variant.
Genome position (GRCh38, 1-based): chr7:94,423,068, C>T. VCF-style: chr7-94423068-C-T. GRCh37 (hg19) VCF-style: chr7-94052380-C-T.
Other names: short protein forms P839S.
Identifiers: ClinVar variation 2922544 (VCV002922544.3), dbSNP rs775654366, ClinGen allele CA4347467.

ClinVar aggregate classification (germline): Uncertain significance (1 of 4 stars; one submission).

Conditions:
Osteogenesis imperfecta type I (OI1). Also called: Lobstein disease; OI, TYPE I; OSTEOGENESIS IMPERFECTA TARDA; OSTEOGENESIS IMPERFECTA WITH BLUE SCLERAE; Osteogenesis imperfecta type 1; Lobstein's Disease. Identifiers: Orphanet 216796, Orphanet 666, MedGen C0023931, MONDO:0008146, OMIM 166200. Disease mechanism: loss of function.
Ehlers-Danlos syndrome, classic type, 1 (EDSCL1). Also called: EDS I; EHLERS-DANLOS SYNDROME, GRAVIS TYPE; EHLERS-DANLOS SYNDROME, SEVERE CLASSIC TYPE; Ehlers-Danlos syndrome, type 1; Ehlers-Danlos Syndrome, Classic Type, COL5A1-Related. Identifiers: MedGen C0268335, MONDO:0019567, OMIM 130000.

Allele frequency attached by ClinVar (database versions not stated): ExAC 0.00001.

Submission:

Labcorp Genetics (formerly Invitae), Labcorp
Classification: Uncertain significance for Osteogenesis imperfecta type I; Ehlers-Danlos syndrome, classic type, 1. Last evaluated: 2025-07-27. Review status: criteria provided, single submitter. Criteria: Invitae Variant Classification Sherloc (09022015). Collection method: clinical testing. Allele origin: germline.
Comment: This sequence change replaces proline, which is neutral and non-polar, with serine, which is neutral and polar, at codon 839 of the COL1A2 protein (p.Pro839Ser). This variant is present in population databases (rs775654366, gnomAD 0.003%). This variant has not been reported in the literature in individuals affected with COL1A2-related conditions. ClinVar contains an entry for this variant (Variation ID: 2922544). Invitae Evidence Modeling of protein sequence and biophysical properties (such as structural, functional, and spatial information, amino acid conservation, physicochemical variation, residue mobility, and thermodynamic stability) indicates that this missense variant is not expected to disrupt COL1A2 protein function with a negative predictive value of 95%. In summary, the available evidence is currently insufficient to determine the role of this variant in disease. Therefore, it has been classified as a Variant of Uncertain Significance.